The following is an entry in ClinVar:

ClinVar aggregate classification (germline): Pathogenic (1 of 4 stars; one submission).

Conditions:
Granulomatous disease, chronic, autosomal recessive, cytochrome b-negative. Also called: CGD DUE TO DEFICIENCY OF THE ALPHA SUBUNIT OF CYTOCHROME b; CGD, AUTOSOMAL RECESSIVE CYTOCHROME b-NEGATIVE; CYBA DEFICIENCY; GRANULOMATOUS DISEASE, CHRONIC, AUTOSOMAL RECESSIVE, 4; Chronic granulomatous disease, autosomal, due to deficiency of CYBA. Identifiers: Orphanet 379, MedGen C1856255, MONDO:0009308, OMIM 233690.

Submission:

Labcorp Genetics (formerly Invitae), Labcorp
Classification: Pathogenic for Granulomatous disease, chronic, autosomal recessive, cytochrome b-negative. Last evaluated: 2023-07-07. Review status: criteria provided, single submitter. Criteria: Invitae Variant Classification Sherloc (09022015). Collection method: clinical testing. Allele origin: unknown.
Comment: For these reasons, this variant has been classified as Pathogenic. This variant has not been reported in the literature in individuals affected with CYBA-related conditions. A gross deletion of the genomic region encompassing the full coding sequence of the CYBA gene has been identified. Loss-of-function variants in CYBA are known to be pathogenic (PMID: 10910929, 20167518, 22876374). The boundaries of this event are unknown as they extend beyond the assayed region for this gene and therefore may encompass additional genes.

Literature cited by the submitters: PubMed 10910929; PubMed 20167518; PubMed 22876374.

NC_000016.9:g.(?_88709761)_(88717421_?)del

Gene: CYBA (cytochrome b-245 alpha chain; minus strand). Cytogenetic location: 16q24.3.
Variant type: Deletion.
Identifiers: ClinVar variation 3243439 (VCV003243439.1).